The following is an entry in ClinVar:

ClinVar aggregate classification (germline): Uncertain significance. Review status: criteria provided, multiple submitters, no conflicts (2 of 4 stars). 2 submissions from 2 submitters: Uncertain significance (2). Last evaluated 2025-05-27.

Conditions:
Hereditary pancreatitis (PCTT). Also called: Hereditary chronic pancreatitis; PRSS1-Related Hereditary Pancreatitis. Identifiers: Orphanet 676, MedGen C0238339, MONDO:0008185, OMIM 167800.

Allele frequency attached by ClinVar (database versions not stated): TOPMed 0.00003.
gnomAD v4.1: 24 of 1,614,042 alleles (0.0015%); highest among the groups gnomAD compares: East Asian, 0.0067%; no homozygotes.

Submissions (2):

Ambry Genetics
Classification: Uncertain significance for Hereditary pancreatitis. Last evaluated: 2025-05-27. Review status: criteria provided, single submitter. Criteria: Ambry Variant Classification Scheme 2023. Collection method: clinical testing. Allele origin: germline.
Comment: The p.R254Q variant (also known as c.761G>A), located in coding exon 7 of the CTRC gene, results from a G to A substitution at nucleotide position 761. The arginine at codon 254 is replaced by glutamine, an amino acid with highly similar properties. In a different in vitro study evaluating CTRC protein function, cell lines expressing this alteration had enzyme activity near wild-type levels at 91% (Beer et al. Gut. 2013Nov;62(11):1616-24). This amino acid position is well conserved in available vertebrate species. In addition, the in silico prediction for this alteration is inconclusive. Based on the available evidence, the clinical significance of this variant remains unclear.

Labcorp Genetics (formerly Invitae), Labcorp
Classification: Uncertain significance for Hereditary pancreatitis. Last evaluated: 2023-01-24. Review status: criteria provided, single submitter. Criteria: Invitae Variant Classification Sherloc (09022015). Collection method: clinical testing. Allele origin: germline.
Comment: In summary, the available evidence is currently insufficient to determine the role of this variant in disease. Therefore, it has been classified as a Variant of Uncertain Significance. Experimental studies have shown that this missense change does not substantially affect CTRC function (PMID: 22942235). Advanced modeling of protein sequence and biophysical properties (such as structural, functional, and spatial information, amino acid conservation, physicochemical variation, residue mobility, and thermodynamic stability) performed at Invitae indicates that this missense variant is not expected to disrupt CTRC protein function. ClinVar contains an entry for this variant (Variation ID: 568567). This missense change has been observed in individual(s) with chronic pancreatitis (PMID: 19407484). This variant is present in population databases (rs755811899, gnomAD 0.006%). This sequence change replaces arginine, which is basic and polar, with glutamine, which is neutral and polar, at codon 254 of the CTRC protein (p.Arg254Gln).

Literature cited by the submitters: PubMed 22942235 (cited by Labcorp Genetics (formerly Invitae), Labcorp); PubMed 19407484 (cited by Labcorp Genetics (formerly Invitae), Labcorp).

NM_007272.3(CTRC):c.761G>A (p.Arg254Gln)

Gene: CTRC (chymotrypsin C; plus strand). Cytogenetic location: 1p36.21.
Variant type: single nucleotide variant.
Coding change: c.761G>A on transcript NM_007272.3 (MANE Select); coding-DNA position 761, G replaced by A.
Protein change: p.Arg254Gln; replaces arginine 254 with glutamine.
Molecular consequence: missense variant.
Genome position (GRCh38, 1-based): chr1:15,445,718, G>A. VCF-style: chr1-15445718-G-A. GRCh37 (hg19) VCF-style: chr1-15772213-G-A.
Other names: short protein forms R254Q.
Identifiers: ClinVar variation 568567 (VCV000568567.11), dbSNP rs755811899, ClinGen allele CA613463.